The following is an entry in ClinVar:

NM_020937.4(FANCM):c.4525A>G (p.Arg1509Gly)

Gene: FANCM (FA complementation group M; plus strand). Cytogenetic location: 14q21.2.
Variant type: single nucleotide variant.
Coding change: c.4525A>G on transcript NM_020937.4 (MANE Select); coding-DNA position 4525, A replaced by G.
Protein change: p.Arg1509Gly; replaces arginine 1509 with glycine.
Molecular consequence: missense variant.
Genome position (GRCh38, 1-based): chr14:45,185,226, A>G. VCF-style: chr14-45185226-A-G. GRCh37 (hg19) VCF-style: chr14-45654429-A-G.
Other names: c.4447A>G, p.Arg1483Gly (NM_001308133.2); short protein forms R1483G, R1509G.
Identifiers: ClinVar variation 4254726 (VCV004254726.1).

ClinVar aggregate classification (germline): Uncertain significance (1 of 4 stars; one submission).

Conditions:
Inborn genetic diseases. Identifiers: MedGen C0950123, MeSH D030342.

gnomAD v4.1: 3 of 1,594,514 alleles (0.00019%); highest among the groups gnomAD compares: East Asian, 0.0022%; no homozygotes.

Submission:

Ambry Genetics
Classification: Uncertain significance for Inborn genetic diseases. Last evaluated: 2025-08-31. Review status: criteria provided, single submitter. Criteria: Ambry Variant Classification Scheme 2023. Collection method: clinical testing. Allele origin: germline.
Comment: The p.R1509G variant (also known as c.4525A>G), located in coding exon 18 of the FANCM gene, results from an A to G substitution at nucleotide position 4525. The arginine at codon 1509 is replaced by glycine, an amino acid with dissimilar properties. This amino acid position is conserved. In addition, the in silico prediction for this alteration is inconclusive. Based on the available evidence, the clinical significance of this variant remains unclear.